The following is an entry in ClinVar:

NM_000130.5(F5):c.3482G>A (p.Arg1161Gln)

Gene: F5 (coagulation factor V; minus strand). Cytogenetic location: 1q24.2.
Variant type: single nucleotide variant.
Coding change: c.3482G>A on transcript NM_000130.5 (MANE Select); coding-DNA position 3482, G replaced by A.
Protein change: p.Arg1161Gln; replaces arginine 1161 with glutamine.
Molecular consequence: missense variant.
Genome position (GRCh38, 1-based): chr1:169,541,608, C>T on the plus strand (G>A on the coding strand, the complement: F5 is on the minus strand). VCF-style: chr1-169541608-C-T. GRCh37 (hg19) VCF-style: chr1-169510846-C-T.
Other names: short protein forms R1161Q.
Identifiers: ClinVar variation 4752866 (VCV004752866.1).

ClinVar aggregate classification (germline): Uncertain significance (1 of 4 stars; one submission).

Conditions:
Congenital factor V deficiency. Also called: LABILE FACTOR DEFICIENCY; OWREN PARAHEMOPHILIA; PARAHEMOPHILIA; Hereditary factor V deficiency disease. Identifiers: Orphanet 326, MedGen C0015499, MONDO:0009210, OMIM 227400.

gnomAD v4.1: 31 of 1,613,984 alleles (0.0019%); highest among the groups gnomAD compares: African/African-American, 0.013%; no homozygotes.

Submission:

Labcorp Genetics (formerly Invitae), Labcorp
Classification: Uncertain significance for Congenital factor V deficiency. Last evaluated: 2025-09-04. Review status: criteria provided, single submitter. Criteria: Invitae Variant Classification Sherloc (09022015). Collection method: clinical testing. Allele origin: germline.
Comment: This sequence change replaces arginine, which is basic and polar, with glutamine, which is neutral and polar, at codon 1161 of the F5 protein (p.Arg1161Gln). This variant is present in population databases (rs368369078, gnomAD 0.01%). This variant has not been reported in the literature in individuals affected with F5-related conditions. Invitae Evidence Modeling of protein sequence and biophysical properties (such as structural, functional, and spatial information, amino acid conservation, physicochemical variation, residue mobility, and thermodynamic stability) indicates that this missense variant is not expected to disrupt F5 protein function with a negative predictive value of 80%. In summary, the available evidence is currently insufficient to determine the role of this variant in disease. Therefore, it has been classified as a Variant of Uncertain Significance.